The following is an entry in ClinVar:

ClinVar aggregate classification (germline): Pathogenic (1 of 4 stars; one submission).

Conditions:
Primary ciliary dyskinesia. Also called: Ciliary dyskinesia. Identifiers: Orphanet 244, MedGen C0008780, MONDO:0016575, HP:0012265.

Submission:

Labcorp Genetics (formerly Invitae), Labcorp
Classification: Pathogenic for Primary ciliary dyskinesia. Last evaluated: 2023-08-31. Review status: criteria provided, single submitter. Criteria: Invitae Variant Classification Sherloc (09022015). Collection method: clinical testing. Allele origin: germline.
Comment: For these reasons, this variant has been classified as Pathogenic. This variant has not been reported in the literature in individuals affected with DNAH11-related conditions. This variant is not present in population databases (gnomAD no frequency). This sequence change creates a premature translational stop signal (p.Val1914Aspfs*21) in the DNAH11 gene. It is expected to result in an absent or disrupted protein product. Loss-of-function variants in DNAH11 are known to be pathogenic (PMID: 18022865, 20513915, 22184204).

Literature cited by the submitters: PubMed 18022865; PubMed 20513915; PubMed 22184204.

NM_001277115.2(DNAH11):c.5737_5740dup (p.Val1914fs)

Gene: DNAH11 (dynein axonemal heavy chain 11; plus strand). Cytogenetic location: 7p15.3.
Variant type: Duplication.
Coding change: c.5737_5740dup on transcript NM_001277115.2 (MANE Select); coding-DNA positions 5737 to 5740, 4 bases duplicated (ATGG; older notation c.5737_5740dupATGG).
Protein change: p.Val1914fs; shifts the reading frame from valine 1914.
Molecular consequence: frameshift variant.
Genome position (GRCh38, 1-based): chr7:21,687,214-21,687,217, ATGG duplicated; duplicating any 4 consecutive bases within chr7:21,687,213-21,687,217 gives the same sequence; the c. name uses the placement nearest the transcript's 3' end. VCF-style (leftmost placement, unchanged base first): chr7-21687212-T-TGATG. GRCh37 (hg19) VCF-style: chr7-21726830-T-TGATG.
Other names: c.5758_5761dup, p.Val1921Aspfs (NM_003777.3); short protein forms V1914fs.
Identifiers: ClinVar variation 2756880 (VCV002756880.3), dbSNP rs2534916472, ClinGen allele CA2697557148.
Genomic context (GRCh38, chr7:21,687,212, plus strand): 5'-CTGGCCCAGCTGGTACCGGGAAAACAGAGACCACCAAAGACCTAGGACGTGCCCTTGGCA[T>TGATG]GATGGTCTATGTATTCAACTGTTCAGAGCAAATGGACTACAAAGTAAGTTAGTAAGAGAA-3'